The following is an entry in ClinVar:

NC_000023.10:g.(?_109919459)_(111003227_?)del

Genes: ALG13 (ALG13 UDP-N-acetylglucosaminyltransferase subunit; plus strand), CAPN6 (calpain 6; minus strand), CHRDL1 (chordin like 1; minus strand), DCX (doublecortin; minus strand), PAK3 (p21 (RAC1) activated kinase 3; plus strand). Cytogenetic location: Xq23.
Variant type: Deletion.
Identifiers: ClinVar variation 2423699 (VCV002423699.5).

ClinVar aggregate classification (germline): no classifications from unflagged records (0 of 4 stars; one submission).

Conditions:
Developmental and epileptic encephalopathy, 36 (DEE36). Also called: Epileptic encephalopathy, early infantile, 36; Congenital disorder of glycosylation, type Is; ALG13-CDG. Identifiers: Orphanet 324422, MedGen C4317295, MONDO:0010472, OMIM 300884.

Submission:

Labcorp Genetics (formerly Invitae), Labcorp
Classification: Uncertain significance for Developmental and epileptic encephalopathy, 36. Last evaluated: 2022-07-23. Review status: flagged submission. Criteria: Invitae Variant Classification Sherloc (09022015). Collection method: clinical testing. Allele origin: germline.
Comment: A gross deletion of the genomic region encompassing the full coding sequence of the ALG13 gene has been identified. The current clinical and genetic evidence is not sufficient to establish whether loss-of-function variants in ALG13 cause disease. The boundaries of this event are unknown as they extend beyond the assayed region for this gene and therefore may encompass additional genes. This variant has not been reported in the literature in individuals affected with ALG13-related conditions. In summary, the available evidence is currently insufficient to determine the role of this variant in disease. Therefore, it has been classified as a Variant of Uncertain Significance.
ClinVar note: Notes: This submission was flagged because its interpretation of this variant conflicts with the ClinGen Gene Dosage Map curation for the gene DCX.
ClinVar note: Reason: Conflict with ClinGen Gene Dosage Map